The following is an entry in ClinVar:

ClinVar aggregate classification (germline): Uncertain significance (1 of 4 stars; one submission).

Submission:

GeneDx
Classification: Uncertain significance. Last evaluated: 2025-04-14. Review status: criteria provided, single submitter. Criteria: GeneDx Variant Classification Process June 2021. Collection method: clinical testing. Allele origin: germline. Affected: yes.
Comment: Not observed at significant frequency in large population cohorts (gnomAD); In silico analysis indicates that this missense variant does not alter protein structure/function; Has not been previously published as pathogenic or benign to our knowledge

NM_001142416.2(AIMP1):c.763G>C (p.Ala255Pro)

Gene: AIMP1 (aminoacyl tRNA synthetase complex interacting multifunctional protein 1; plus strand). Cytogenetic location: 4q24.
Variant type: single nucleotide variant.
Coding change: c.763G>C on transcript NM_001142416.2 (MANE Select); coding-DNA position 763, G replaced by C.
Protein change: p.Ala255Pro; replaces alanine 255 with proline.
Molecular consequence: missense variant.
Genome position (GRCh38, 1-based): chr4:106,337,028, G>C. VCF-style: chr4-106337028-G-C. GRCh37 (hg19) VCF-style: chr4-107258185-G-C.
Other names: c.763G>C, p.Ala255Pro (NM_001142415.2, NM_004757.4); short protein forms A255P.
Identifiers: ClinVar variation 4282176 (VCV004282176.1).